The following is an entry in ClinVar:

NM_006514.4(SCN10A):c.1033G>T (p.Ala345Ser)

Gene: SCN10A (sodium voltage-gated channel alpha subunit 10; minus strand). Cytogenetic location: 3p22.2.
Variant type: single nucleotide variant.
Coding change: c.1033G>T on transcript NM_006514.4 (MANE Select); coding-DNA position 1033, G replaced by T.
Protein change: p.Ala345Ser; replaces alanine 345 with serine.
Molecular consequence: missense variant.
Genome position (GRCh38, 1-based): chr3:38,757,077, C>A on the plus strand (G>T on the coding strand, the complement: SCN10A is on the minus strand). VCF-style: chr3-38757077-C-A. GRCh37 (hg19) VCF-style: chr3-38798568-C-A.
Other names: c.1033G>T, p.Ala345Ser (NM_001293306.2, NM_001293307.2); short protein forms A345S.
Identifiers: ClinVar variation 1771938 (VCV001771938.2), dbSNP rs1203125052, ClinGen allele CA352170122.

ClinVar aggregate classification (germline): Uncertain significance (1 of 4 stars; one submission).

Conditions:
Cardiovascular phenotype. Identifiers: MedGen CN230736.

Allele frequency attached by ClinVar (database versions not stated): gnomAD exomes below 0.00001; TOPMed 0.00002.
gnomAD v4.1: 2 of 1,613,820 alleles (0.00012%); highest among the groups gnomAD compares: Admixed American, 0.0017%; no homozygotes.

Submission:

Ambry Genetics
Classification: Uncertain significance for Cardiovascular phenotype. Last evaluated: 2020-11-12. Review status: criteria provided, single submitter. Criteria: Ambry Variant Classification Scheme 2023. Collection method: clinical testing. Allele origin: germline.
Comment: The p.A345S variant (also known as c.1033G>T), located in coding exon 8 of the SCN10A gene, results from a G to T substitution at nucleotide position 1033. The alanine at codon 345 is replaced by serine, an amino acid with similar properties. This amino acid position is highly conserved in available vertebrate species. In addition, the in silico prediction for this alteration is inconclusive. Since supporting evidence is limited at this time, the clinical significance of this alteration remains unclear.